The following is an entry in ClinVar:

ClinVar aggregate classification (germline): Pathogenic/Likely pathogenic. Review status: criteria provided, multiple submitters, no conflicts (2 of 4 stars). 3 submissions from 3 submitters: Pathogenic (1); Likely pathogenic (2). Last evaluated 2026-02-06.

Conditions:
Autosomal recessive titinopathy. Identifiers: MedGen CN315649, MONDO:0100493.
Dilated cardiomyopathy 1G (CMD1G). Identifiers: Orphanet 154, MedGen C1858763, MONDO:0011400, OMIM 604145.
Autosomal recessive limb-girdle muscular dystrophy type 2J (LGMDR10). Also called: Limb-girdle muscular dystrophy, type 2J; MUSCULAR DYSTROPHY, LIMB-GIRDLE, AUTOSOMAL RECESSIVE 10. Identifiers: Orphanet 140922, MedGen C1837342, MONDO:0012127, OMIM 608807.

Submissions (3):

Myofin, Folkhalsan Research Center
Classification: Pathogenic for Autosomal recessive titinopathy. Last evaluated: 2026-02-06. Review status: criteria provided, single submitter. Criteria: ACMG Guidelines, 2015. Collection method: research. Allele origin: germline. Affected: yes.
Comment: TTN loss-of-function is an established mechanism for autosomal recessive titinopathies. ACMG/AMP criteria applied: PVS1 (predicted loss of function), PM2_Supporting (absent/rare in population databases), and PP4_Supporting (highly consistent clinical phenotype). Overall classification: Pathogenic for recessive titinopathy.

Labcorp Genetics (formerly Invitae), Labcorp
Classification: Likely pathogenic for Dilated cardiomyopathy 1G; Autosomal recessive limb-girdle muscular dystrophy type 2J. Last evaluated: 2025-09-05. Review status: criteria provided, single submitter. Criteria: Invitae Variant Classification Sherloc (09022015). Collection method: clinical testing. Allele origin: germline.
Comment: This sequence change creates a premature translational stop signal (p.Ile25370Argfs*6) in the TTN gene. While this is not anticipated to result in nonsense mediated decay, it is expected to create a truncated TTN protein. This variant is not present in population databases (gnomAD no frequency). This premature translational stop signal has been observed in individual(s) with autosomal recessive congenital myopathy (PMID: 26841830). ClinVar contains an entry for this variant (Variation ID: 3360014). This variant is located in the A band of TTN (PMID: 25589632). Truncating variants in this region are significantly overrepresented in patients affected with dilated cardiomyopathy (PMID: 25589632). Truncating variants in this region have also been reported in individuals affected with autosomal recessive centronuclear myopathy (PMID: 23975875). In summary, the currently available evidence indicates that the variant is pathogenic, but additional data are needed to prove that conclusively. Therefore, this variant has been classified as Likely Pathogenic.

GeneDx
Classification: Likely pathogenic. Last evaluated: 2024-04-03. Review status: criteria provided, single submitter. Criteria: GeneDx Variant Classification Process June 2021. Collection method: clinical testing. Allele origin: germline. Affected: yes.
Comment: Reported with a variant on the opposite allele (in trans) in an individual with congenital arthrogryposis, weakness, dilated cardiomyopathy, and respiratory insufficiency in published literature (PMID: 26841830); Located in the A-band region of TTN in which the majority of loss of function variants have been associated with autosomal dominant titinopathies (PMID: 22335739); Frameshift variant predicted to result in protein truncation or nonsense mediated decay in a gene for which loss of function is a known mechanism of disease; Not observed at significant frequency in large population cohorts (gnomAD); This variant is associated with the following publications: (PMID: 22335739, 26841830)

Literature cited by the submitters: DOI 10.1101/2025.07.17.25331140 (cited by Myofin, Folkhalsan Research Center); PubMed 26841830 (cited by Labcorp Genetics (formerly Invitae), Labcorp); PubMed 25589632 (cited by Labcorp Genetics (formerly Invitae), Labcorp); PubMed 23975875 (cited by Labcorp Genetics (formerly Invitae), Labcorp).

NM_001267550.2(TTN):c.76109_76110del (p.Ile25370fs)

Genes: TTN (titin; minus strand), TTN-AS1 (TTN antisense RNA 1; plus strand). Cytogenetic location: 2q31.2.
Variant type: Deletion.
Coding change: c.76109_76110del on transcript NM_001267550.2 (MANE Select); coding-DNA positions 76109 to 76110, 2 bases deleted (TA; older notation c.76109_76110delTA).
Protein change: p.Ile25370fs; shifts the reading frame from isoleucine 25370.
Molecular consequence: frameshift variant.
Genome position (GRCh38, 1-based): chr2:178,570,022-178,570,023, TA deleted on the plus strand (TA on the coding strand, the reverse complement: TTN is on the minus strand); deleting any 2 consecutive bases within chr2:178,570,022-178,570,024 gives the same sequence; the c. name uses the placement nearest the transcript's 3' end. VCF-style (leftmost placement, unchanged base first): chr2-178570021-CTA-C. GRCh37 (hg19) VCF-style: chr2-179434748-CTA-C.
Other names: c.71186_71187del, p.Ile23729fs (NM_001256850.1); c.76108_76109delAT, p.Ile25370Argfs (NM_001267550.1); c.48914_48915del, p.Ile16305fs (NM_003319.4); c.68405_68406del, p.Ile22802fs (NM_133378.4); c.49289_49290del, p.Ile16430fs (NM_133432.3); c.49490_49491del, p.Ile16497fs (NM_133437.4); c.76109_76110delTA (NM_001267550.2); short protein forms I16305fs, I16430fs, I16497fs, I22802fs, I23729fs, I25370fs.
Identifiers: ClinVar variation 3360014 (VCV003360014.2).